The following is an entry in ClinVar:

ClinVar aggregate classification (germline): Uncertain significance (1 of 4 stars; one submission).

Submission:

GeneDx
Classification: Uncertain significance. Last evaluated: 2024-01-07. Review status: criteria provided, single submitter. Criteria: GeneDx Variant Classification Process June 2021. Collection method: clinical testing. Allele origin: germline. Affected: yes.
Comment: Not observed at significant frequency in large population cohorts (gnomAD); In silico analysis supports that this missense variant has a deleterious effect on protein structure/function; Has not been previously published as pathogenic or benign to our knowledge

NM_001161352.2(KCNMA1):c.1051T>C (p.Ser351Pro)

Gene: KCNMA1 (potassium calcium-activated channel subfamily M alpha 1; minus strand). Cytogenetic location: 10q22.3.
Variant type: single nucleotide variant.
Coding change: c.1051T>C on transcript NM_001161352.2 (MANE Select); coding-DNA position 1051, T replaced by C.
Protein change: p.Ser351Pro; replaces serine 351 with proline.
Molecular consequence: missense variant.
Genome position (GRCh38, 1-based): chr10:77,110,253, A>G on the plus strand (T>C on the coding strand, the complement: KCNMA1 is on the minus strand). VCF-style: chr10-77110253-A-G. GRCh37 (hg19) VCF-style: chr10-78870011-A-G.
Other names: c.1051T>C, p.Ser351Pro (NM_001322829.2, NM_001322830.2, NM_001322832.2 and 8 more transcripts); c.511T>C, p.Ser171Pro (NM_001322838.2); c.889T>C, p.Ser297Pro (NM_001271518.2); short protein forms S171P, S297P, S351P.
Identifiers: ClinVar variation 3367568 (VCV003367568.1).
Genomic context (GRCh38, chr10:77,110,253, plus strand): 5'-AGACCATGAAGAGGCGCCCAAGTGTGGTTTTTGCATAAACATCCCCATAACCAACGGTGG[A>G]CATTGTGACCATGAGTAAATAGACACATTCCCAGTAGGTGAGAGCCTGGTTGTTTTGGAA-3'
Protein context (NP_001154824.1, residues 341-361): ECVYLLMVTM[Ser351Pro]TVGYGDVYAK